The following is an entry in ClinVar:

NM_017534.6(MYH2):c.844G>A (p.Ala282Thr)

Genes: MYH2 (myosin heavy chain 2; minus strand), MYHAS (myosin heavy chain gene cluster antisense RNA; plus strand). Cytogenetic location: 17p13.1.
Variant type: single nucleotide variant.
Coding change: c.844G>A on transcript NM_017534.6 (MANE Select); coding-DNA position 844, G replaced by A.
Protein change: p.Ala282Thr; replaces alanine 282 with threonine.
Molecular consequence: missense variant.
Genome position (GRCh38, 1-based): chr17:10,542,935, C>T on the plus strand (G>A on the coding strand, the complement: MYH2 is on the minus strand). VCF-style: chr17-10542935-C-T. GRCh37 (hg19) VCF-style: chr17-10446252-C-T.
Other names: c.844G>A, p.Ala282Thr (NM_001100112.2); short protein forms A282T.
Identifiers: ClinVar variation 2199105 (VCV002199105.4), dbSNP rs200531516, ClinGen allele CA8391507.

ClinVar aggregate classification (germline): Uncertain significance (1 of 4 stars; one submission).

Conditions:
Myopathy, proximal, and ophthalmoplegia (CMYO6). Also called: INCLUSION BODY MYOPATHY 3, AUTOSOMAL DOMINANT; MYOPATHY WITH CONGENITAL JOINT CONTRACTURES, OPHTHALMOPLEGIA, AND RIMMED VACUOLES; CONGENITAL MYOPATHY 6 WITH OPHTHALMOPLEGIA. Identifiers: Orphanet 363677, Orphanet 79091, MedGen C1854106, MONDO:0011577, OMIM 605637.

Allele frequency attached by ClinVar (database versions not stated): ExAC 0.00001; gnomAD exomes 0.00001; gnomAD 0.00002; TOPMed 0.00002; 1000 Genomes Project 30x 0.00016; 1000 Genomes Project 0.00020.
gnomAD v4.1: 10 of 1,612,872 alleles (0.00062%); highest among the groups gnomAD compares: Non-Finnish European, 0.00085%; no homozygotes.

Submission:

Labcorp Genetics (formerly Invitae), Labcorp
Classification: Uncertain significance for Myopathy, proximal, and ophthalmoplegia. Last evaluated: 2025-12-09. Review status: criteria provided, single submitter. Criteria: Invitae Variant Classification Sherloc (09022015). Collection method: clinical testing. Allele origin: germline.
Comment: This sequence change replaces alanine, which is neutral and non-polar, with threonine, which is neutral and polar, at codon 282 of the MYH2 protein (p.Ala282Thr). This variant is present in population databases (rs200531516, gnomAD 0.002%). This variant has not been reported in the literature in individuals affected with MYH2-related conditions. ClinVar contains an entry for this variant (Variation ID: 2199105). Invitae Evidence Modeling of protein sequence and biophysical properties (such as structural, functional, and spatial information, amino acid conservation, physicochemical variation, residue mobility, and thermodynamic stability) indicates that this missense variant is not expected to disrupt MYH2 protein function with a negative predictive value of 80%. In summary, the available evidence is currently insufficient to determine the role of this variant in disease. Therefore, it has been classified as a Variant of Uncertain Significance.